The following is an entry in ClinVar:

ClinVar aggregate classification (germline): Uncertain significance. Review status: criteria provided, multiple submitters, no conflicts (2 of 4 stars). 2 submissions from 2 submitters: Uncertain significance (2). Last evaluated 2025-09-05.

Conditions:
Primary ciliary dyskinesia. Also called: Ciliary dyskinesia. Identifiers: Orphanet 244, MedGen C0008780, MONDO:0016575, HP:0012265.

Allele frequency attached by ClinVar (database versions not stated): TOPMed below 0.00001; ExAC 0.00001; gnomAD 0.00001; ESP Exome Variant Server 0.00008.
gnomAD v4.1: 1 of 1,602,704 alleles (0.000062%); highest among the groups gnomAD compares: Non-Finnish European, 0.000085%; no homozygotes.

Submissions (2):

Ambry Genetics
Classification: Uncertain significance for Primary ciliary dyskinesia. Last evaluated: 2025-09-05. Review status: criteria provided, single submitter. Criteria: Ambry Variant Classification Scheme 2023. Collection method: clinical testing. Allele origin: germline.

Labcorp Genetics (formerly Invitae), Labcorp
Classification: Uncertain significance for Primary ciliary dyskinesia. Last evaluated: 2022-06-13. Review status: criteria provided, single submitter. Criteria: Invitae Variant Classification Sherloc (09022015). Collection method: clinical testing. Allele origin: germline.
Comment: In summary, the available evidence is currently insufficient to determine the role of this variant in disease. Therefore, it has been classified as a Variant of Uncertain Significance. Algorithms developed to predict the effect of missense changes on protein structure and function output the following: SIFT: "Tolerated"; PolyPhen-2: "Probably Damaging"; Align-GVGD: "Class C0". The phenylalanine amino acid residue is found in multiple mammalian species, which suggests that this missense change does not adversely affect protein function. This variant has not been reported in the literature in individuals affected with CCDC39-related conditions. This variant is present in population databases (rs373070816, gnomAD 0.004%). This sequence change replaces leucine, which is neutral and non-polar, with phenylalanine, which is neutral and non-polar, at codon 563 of the CCDC39 protein (p.Leu563Phe).

NM_181426.2(CCDC39):c.1687C>T (p.Leu563Phe)

Gene: CCDC39 (coiled-coil domain 39 molecular ruler complex subunit; minus strand). Cytogenetic location: 3q26.33.
Variant type: single nucleotide variant.
Coding change: c.1687C>T on transcript NM_181426.2 (MANE Select); coding-DNA position 1687, C replaced by T.
Protein change: p.Leu563Phe; replaces leucine 563 with phenylalanine.
Molecular consequence: missense variant.
Genome position (GRCh38, 1-based): chr3:180,642,180, G>A on the plus strand (C>T on the coding strand, the complement: CCDC39 is on the minus strand). VCF-style: chr3-180642180-G-A. GRCh37 (hg19) VCF-style: chr3-180359968-G-A.
Other names: c.1687C>T (NM_181426.1); short protein forms L563F.
Identifiers: ClinVar variation 2148463 (VCV002148463.4), dbSNP rs373070816, ClinGen allele CA2715894.